The following is an entry in ClinVar:

NM_001174089.2(SLC4A11):c.671G>A (p.Trp224Ter)

Gene: SLC4A11 (solute carrier family 4 member 11; minus strand). Cytogenetic location: 20p13.
Variant type: single nucleotide variant.
Coding change: c.671G>A on transcript NM_001174089.2 (MANE Select); coding-DNA position 671, G replaced by A.
Protein change: p.Trp224Ter; replaces tryptophan 224 with a stop codon.
Molecular consequence: nonsense. On other transcripts: non-coding transcript variant (1).
Genome position (GRCh38, 1-based): chr20:3,233,572, C>T on the plus strand (G>A on the coding strand, the complement: SLC4A11 is on the minus strand). VCF-style: chr20-3233572-C-T. GRCh37 (hg19) VCF-style: chr20-3214218-C-T.
Other names: c.719G>A (NM_032034.3); c.800G>A, p.Trp267Ter (NM_001174090.2); c.671G>A, p.Trp224Ter (NM_001363745.2); c.719G>A, p.Trp240Ter (NM_032034.4); short protein forms W267*, W224*, W240*.
Identifiers: ClinVar variation 1351232 (VCV001351232.10), dbSNP rs746532062, ClinGen allele CA408092639.

ClinVar aggregate classification (germline): Pathogenic/Likely pathogenic. Review status: criteria provided, multiple submitters, no conflicts (2 of 4 stars). 3 submissions from 3 submitters: Pathogenic (1); Likely pathogenic (2). Last evaluated 2025-02-17.

Conditions:
Congenital hereditary endothelial dystrophy of cornea. Also called: Corneal endothelial dystrophy, autosomal recessive; Congenital hereditary endothelial dystrophy type II; Congenital hereditary endothelial dystrophy of the cornea; Maumenee corneal dystrophy; CORNEAL DYSTROPHY, CONGENITAL HEREDITARY ENDOTHELIAL. Identifiers: Orphanet 293603, MedGen C1857569, MONDO:0009019, OMIM 217700.
Corneal dystrophy-perceptive deafness syndrome (CDPD). Also called: CORNEAL DYSTROPHY AND SENSORINEURAL DEAFNESS; HARBOYAN SYNDROME. Identifiers: Orphanet 1490, MedGen C1857572, MONDO:0009015, OMIM 217400.

gnomAD v4.1: 3 of 1,613,794 alleles (0.00019%); highest among the groups gnomAD compares: South Asian, 0.0022%; no homozygotes.

Submissions (3):

Natera, Inc.
Classification: Likely pathogenic for Corneal dystrophy-perceptive deafness syndrome. Last evaluated: 2025-02-17. Review status: criteria provided, single submitter. Criteria: Natera Variant Classification Schema (03/2026). Collection method: clinical testing. Allele origin: germline.
Comment: The c.719G>A variant in SLC4A11 is a nonsense variant predicted to introduce a stop codon at amino acid 240. This variant is expected to result in nonsense mediated decay, truncation, or a dysfunctional protein product. This variant is rare in the general population with a frequency below the threshold expected for the associated phenotype(s). Given the available evidence, this variant is classified as Likely Pathogenic.

Neuberg Centre For Genomic Medicine, NCGM
Classification: Likely pathogenic for Congenital hereditary endothelial dystrophy of cornea. Last evaluated: 2023-05-20. Review status: criteria provided, single submitter. Criteria: ACMG Guidelines, 2015. Collection method: clinical testing. Allele origin: germline. Inheritance: Autosomal recessive inheritance. Affected: yes.
Comment: The observed stop gain c.671G>A(p.Trp224Ter) variant in SLC4A11 gene has been submitted to the clinvar database as pathogenic. This variant has not been reported previously in individual affected with SLC4A11 associated disorders, to our knowledge. This variant is present with an allele frequency of 0.0004% in gnomAD Exomes database. The nucleotide change c.671G>A in SLC4A11 is predicted as conserved by GERP++ and PhyloP across 100 vertebrates. This variant is predicted to cause loss of normal protein function through protein truncation. Loss of function variants have been previously reported to be disease causing. Computational evidence (MutationTaster - Disease causing) predicts damaging effect on protein structure and function for this variant. Another variant [c.720G>A | p.Trp240Ter] on the same residue has previously been reported as pathogenic (Ramprasad VL, et. al., 2007), suggesting it could be of clinical significance. Additional functional studies are required to prove pathogenicity of the variant. For these reasons, this variant has been classified as Likely Pathogenic.

Labcorp Genetics (formerly Invitae), Labcorp
Classification: Pathogenic. Last evaluated: 2021-06-02. Review status: criteria provided, single submitter. Criteria: Invitae Variant Classification Sherloc (09022015). Collection method: clinical testing. Allele origin: germline.
Comment: This sequence change creates a premature translational stop signal (p.Trp240*) in the SLC4A11 gene. It is expected to result in an absent or disrupted protein product. Loss-of-function variants in SLC4A11 are known to be pathogenic (PMID: 17220209, 17679935). This variant is not present in population databases (ExAC no frequency). This nonsense change has been observed in individual(s) with congenital hereditary endothelial dystrophy (PMID: 17397048) For these reasons, this variant has been classified as Pathogenic.

Literature cited by the submitters: PubMed 17220209 (cited by Labcorp Genetics (formerly Invitae), Labcorp); PubMed 17679935 (cited by Labcorp Genetics (formerly Invitae), Labcorp); PubMed 17397048 (cited by Labcorp Genetics (formerly Invitae), Labcorp).